The following is an entry in ClinVar:

ClinVar aggregate classification (germline): Uncertain significance (1 of 4 stars; one submission).

Conditions:
Baller-Gerold syndrome (BGS). Also called: CRANIOSYNOSTOSIS WITH RADIAL DEFECTS. Identifiers: Orphanet 1225, MedGen C0265308, MONDO:0009039, OMIM 218600.

gnomAD v4.1: 1 of 1,585,970 alleles (0.000063%); highest among the groups gnomAD compares: Non-Finnish European, 0.000085%; no homozygotes.

Submission:

Labcorp Genetics (formerly Invitae), Labcorp
Classification: Uncertain significance for Baller-Gerold syndrome. Last evaluated: 2023-05-20. Review status: criteria provided, single submitter. Criteria: Invitae Variant Classification Sherloc (09022015). Collection method: clinical testing. Allele origin: germline.
Comment: Experimental studies and prediction algorithms are not available or were not evaluated, and the functional significance of this variant is currently unknown. In summary, the available evidence is currently insufficient to determine the role of this variant in disease. Therefore, it has been classified as a Variant of Uncertain Significance. This variant has not been reported in the literature in individuals affected with RECQL4-related conditions. This variant is not present in population databases (gnomAD no frequency). This sequence change replaces serine, which is neutral and polar, with tryptophan, which is neutral and slightly polar, at codon 64 of the RECQL4 protein (p.Ser64Trp).

NM_004260.4(RECQL4):c.191C>G (p.Ser64Trp)

Gene: RECQL4 (RecQ like helicase 4; minus strand). Cytogenetic location: 8q24.3.
Variant type: single nucleotide variant.
Coding change: c.191C>G on transcript NM_004260.4 (MANE Select); coding-DNA position 191, C replaced by G.
Protein change: p.Ser64Trp; replaces serine 64 with tryptophan.
Molecular consequence: missense variant. On other transcripts: 5 prime UTR variant (16), non-coding transcript variant (3), intron variant (2).
Genome position (GRCh38, 1-based): chr8:144,517,436, G>C on the plus strand (C>G on the coding strand, the complement: RECQL4 is on the minus strand). VCF-style: chr8-144517436-G-C. GRCh37 (hg19) VCF-style: chr8-145742820-G-C.
Other names: c.191C>G, p.Ser64Trp (NM_001413017.1, NM_001413018.1, NM_001413019.1 and 5 more transcripts); c.-785C>G (NM_001413034.1); c.-778C>G (NM_001413035.1, NM_001413024.1); c.-881C>G (NM_001413037.1, NM_001413038.1, NM_001413042.1 and 2 more transcripts); c.-943C>G (NM_001413041.1, NM_001413027.1, NM_001413030.1 and 1 more transcripts); c.-1150C>G (NM_001413043.1); c.85-246C>G (NM_001413025.1); c.-859+166C>G (NM_001413040.1); and 3 more; short protein forms S64W.
Identifiers: ClinVar variation 2866227 (VCV002866227.3), dbSNP rs1554904702, ClinGen allele CA372692547.